The following is an entry in ClinVar:

NM_000088.4(COL1A1):c.3565C>A (p.Pro1189Thr)

Gene: COL1A1 (collagen type I alpha 1 chain; minus strand). Cytogenetic location: 17q21.33.
Variant type: single nucleotide variant.
Coding change: c.3565C>A on transcript NM_000088.4 (MANE Select); coding-DNA position 3565, C replaced by A.
Protein change: p.Pro1189Thr; replaces proline 1189 with threonine.
Molecular consequence: missense variant.
Genome position (GRCh38, 1-based): chr17:50,186,889, G>T on the plus strand (C>A on the coding strand, the complement: COL1A1 is on the minus strand). VCF-style: chr17-50186889-G-T. GRCh37 (hg19) VCF-style: chr17-48264250-G-T.
Other names: short protein forms P1189T.
Identifiers: ClinVar variation 373306 (VCV000373306.6), dbSNP rs1057518340, ClinGen allele CA16043029.

ClinVar aggregate classification (germline): Uncertain significance. Review status: criteria provided, multiple submitters, no conflicts (2 of 4 stars). 2 submissions from 2 submitters: Uncertain significance (2). Last evaluated 2025-09-24.

Conditions:
Osteogenesis imperfecta type I (OI1). Also called: Lobstein's Disease; Osteogenesis imperfecta type 1; OI, TYPE I; OSTEOGENESIS IMPERFECTA TARDA; OSTEOGENESIS IMPERFECTA WITH BLUE SCLERAE; Lobstein disease. Identifiers: Orphanet 216796, Orphanet 666, MedGen C0023931, MONDO:0008146, OMIM 166200. Disease mechanism: loss of function.

Allele frequency attached by ClinVar (database versions not stated): gnomAD exomes below 0.00001; TOPMed below 0.00001; gnomAD 0.00001.
gnomAD v4.1: 3 of 1,613,870 alleles (0.00019%); highest among the groups gnomAD compares: Non-Finnish European, 0.00025%; no homozygotes.

Submissions (2):

Labcorp Genetics (formerly Invitae), Labcorp
Classification: Uncertain significance for Osteogenesis imperfecta type I. Last evaluated: 2025-09-24. Review status: criteria provided, single submitter. Criteria: Invitae Variant Classification Sherloc (09022015). Collection method: clinical testing. Allele origin: germline.
Comment: This sequence change replaces proline, which is neutral and non-polar, with threonine, which is neutral and polar, at codon 1189 of the COL1A1 protein (p.Pro1189Thr). This variant is not present in population databases (gnomAD no frequency). This variant has not been reported in the literature in individuals affected with COL1A1-related conditions. ClinVar contains an entry for this variant (Variation ID: 373306). Invitae Evidence Modeling of protein sequence and biophysical properties (such as structural, functional, and spatial information, amino acid conservation, physicochemical variation, residue mobility, and thermodynamic stability) indicates that this missense variant is expected to disrupt COL1A1 protein function with a positive predictive value of 95%. In summary, the available evidence is currently insufficient to determine the role of this variant in disease. Therefore, it has been classified as a Variant of Uncertain Significance.

GeneDx
Classification: Uncertain significance. Last evaluated: 2016-11-28. Review status: criteria provided, single submitter. Criteria: GeneDx Variant Classification (06012015). Collection method: clinical testing. Allele origin: germline. Affected: yes.
Comment: The P1189T variant in the COL1A1 gene has not been reported previously as a pathogenic variant, nor as a benign variant, to our knowledge. The P1189T variant was not observed in approximately 6500 individuals of European and African American ancestry in the NHLBI Exome Sequencing Project, indicating it is not a common benign variant in these populations. The P1189T variant is a non-conservative amino acid substitution, which is likely to impact secondary protein structure as these residues differ in polarity, charge, size and/or other properties. This substitution occurs at a position that is conserved across species. In silico analysis predicts this variant is probably damaging to the protein structure/function. We interpret P1189T as a variant of uncertain significance